The following is an entry in ClinVar:

NM_000264.5(PTCH1):c.1054G>A (p.Gly352Arg)

Gene: PTCH1 (patched 1; minus strand). Cytogenetic location: 9q22.32.
Variant type: single nucleotide variant.
Coding change: c.1054G>A on transcript NM_000264.5 (MANE Select); coding-DNA position 1054, G replaced by A.
Protein change: p.Gly352Arg; replaces glycine 352 with arginine.
Molecular consequence: missense variant. On other transcripts: non-coding transcript variant (1).
Genome position (GRCh38, 1-based): chr9:95,479,982, C>T on the plus strand (G>A on the coding strand, the complement: PTCH1 is on the minus strand). VCF-style: chr9-95479982-C-T. GRCh37 (hg19) VCF-style: chr9-98242264-C-T.
Other names: c.856G>A, p.Gly286Arg (NM_001083602.3); c.1051G>A, p.Gly351Arg (NM_001083603.3); c.601G>A, p.Gly201Arg (NM_001083604.3, NM_001083605.3, NM_001083606.3 and 1 more transcripts); c.1054G>A, p.Gly352Arg (NM_001354918.2); short protein forms G286R, G201R, G351R, G352R.
Identifiers: ClinVar variation 2626241 (VCV002626241.3), dbSNP rs2118388148, ClinGen allele CA374119584.

ClinVar aggregate classification (germline): Uncertain significance (1 of 4 stars; one submission).

Conditions:
Hereditary cancer-predisposing syndrome. Also called: Hereditary neoplastic syndrome; Hereditary Cancer Syndrome; Neoplastic Syndromes, Hereditary; Tumor predisposition. Identifiers: Orphanet 140162, MedGen C0027672, MeSH D009386, MONDO:0015356.

Submission:

Ambry Genetics
Classification: Uncertain significance for Hereditary cancer-predisposing syndrome. Last evaluated: 2026-07-02. Review status: criteria provided, single submitter. Criteria: Ambry Variant Classification Scheme 2023. Collection method: clinical testing. Allele origin: germline.
Comment: The p.G352R variant (also known as c.1054G>A), located in coding exon 7 of the PTCH1 gene, results from a G to A substitution at nucleotide position 1054. The glycine at codon 352 is replaced by arginine, an amino acid with dissimilar properties. This amino acid position is highly conserved in available vertebrate species. In addition, this alteration is predicted to be deleterious by in silico analysis. Since supporting evidence is limited at this time, the clinical significance of this alteration remains unclear.